The following is an entry in ClinVar:

NM_006904.7(PRKDC):c.3599G>T (p.Gly1200Val)

Gene: PRKDC (protein kinase, DNA-activated, catalytic subunit; minus strand). Cytogenetic location: 8q11.21.
Variant type: single nucleotide variant.
Coding change: c.3599G>T on transcript NM_006904.7 (MANE Select); coding-DNA position 3599, G replaced by T.
Protein change: p.Gly1200Val; replaces glycine 1200 with valine.
Molecular consequence: missense variant.
Genome position (GRCh38, 1-based): chr8:47,893,387, C>A on the plus strand (G>T on the coding strand, the complement: PRKDC is on the minus strand). VCF-style: chr8-47893387-C-A. GRCh37 (hg19) VCF-style: chr8-48805947-C-A.
Other names: c.3599G>T, p.Gly1200Val (NM_001081640.2); short protein forms G1200V.
Identifiers: ClinVar variation 3310033 (VCV003310033.1).

ClinVar aggregate classification (germline): Uncertain significance (1 of 4 stars; one submission).

gnomAD v4.1: 1 of 1,498,008 alleles (0.000067%); no homozygotes.

Submission:

Ambry Genetics
Classification: Uncertain significance. Last evaluated: 2024-04-25. Review status: criteria provided, single submitter. Criteria: Ambry Variant Classification Scheme 2023. Collection method: clinical testing. Allele origin: germline.
Comment: The p.G1200V variant (also known as c.3599G>T) is located in coding exon 31 of the PRKDC gene. The glycine at codon 1200 is replaced by valine, an amino acid with dissimilar properties. This change occurs in the first base pair of coding exon 31. This amino acid position is conserved. In addition, the in silico prediction for this alteration is inconclusive. Based on the available evidence, the clinical significance of this variant remains unclear.